The following is an entry in ClinVar:

NM_001009944.3(PKD1):c.7503G>A (p.Ala2501=)

Gene: PKD1 (polycystin 1, transient receptor potential channel interacting; minus strand). Cytogenetic location: 16p13.3.
Variant type: single nucleotide variant.
Coding change: c.7503G>A on transcript NM_001009944.3 (MANE Select); coding-DNA position 7503, G replaced by A.
Protein change: p.Ala2501=; no amino-acid change (alanine 2501 retained).
Molecular consequence: synonymous variant.
Genome position (GRCh38, 1-based): chr16:2,106,291, C>T on the plus strand (G>A on the coding strand, the complement: PKD1 is on the minus strand). VCF-style: chr16-2106291-C-T. GRCh37 (hg19) VCF-style: chr16-2156292-C-T.
Other names: c.7503G>A, p.Ala2501= (NM_000296.4).
Identifiers: ClinVar variation 3257082 (VCV003257082.20).
Genomic context (GRCh38, chr16:2,106,291, plus strand): 5'-GTGGCCCTGGCGACAGCGCCGCAGCAGCAGGGCGTACACCAGCGGGGCGCCAGCATCCTC[C>T]GCGTCATGCCAGCCTGAGGGACGGTCCCCACGGCATCACGGGAGGGCTCCGTGACGTCAC-3'
Protein context (NP_001009944.3, residues 2491-2511): VHFECTGWHD[Ala2501=]EDAGAPLVYA

ClinVar aggregate classification (germline): Likely benign. Review status: criteria provided, multiple submitters, no conflicts (2 of 4 stars). 4 submissions from 4 submitters: Likely benign (4). Last evaluated 2026-06-12.

Conditions:
PKD1-related disorder. Also called: PKD1-related condition.
Polycystic kidney disease, adult type (PKD1). Also called: Polycystic Kidney Disease 1, Autosomal Dominant; Polycystic kidney disease 1; Polycystic kidney disease 1, severe; Polycystic Kidney, Autosomal Dominant; POLYCYSTIC KIDNEY DISEASE 1 WITH OR WITHOUT POLYCYSTIC LIVER DISEASE; POLYCYSTIC KIDNEY DISEASE, ADULT, TYPE I. Identifiers: MedGen C3149841, MONDO:0008263, OMIM 173900.

gnomAD v4.1: 236 of 1,609,816 alleles (0.015%); highest among the groups gnomAD compares: South Asian, 0.032%; no homozygotes.

Submissions (4):

PreventionGenetics, part of Exact Sciences
Classification: Likely benign for PKD1-related condition. Last evaluated: 2026-06-12. Review status: criteria provided, single submitter. Criteria: ACMG Guidelines, 2015. Collection method: clinical testing. Allele origin: germline.
Comment: This variant is classified as likely benign based on ACMG/AMP sequence variant interpretation guidelines (Richards et al. 2015 PMID: 25741868, with internal and published modifications).

Blueprint Genetics
Classification: Likely benign. Last evaluated: 2024-11-26. Review status: criteria provided, single submitter. Criteria: ACMG Guidelines, 2015. Collection method: clinical testing. Allele origin: germline.

Department of Pathology and Laboratory Medicine, Sinai Health System
Classification: Likely benign for Polycystic kidney disease, adult type. Last evaluated: 2024-08-29. Review status: criteria provided, single submitter. Criteria: ACMG Guidelines, 2015. Collection method: clinical testing. Allele origin: germline.

CeGaT Center for Human Genetics Tuebingen
Classification: Likely benign. Last evaluated: 2024-07-01. Review status: criteria provided, single submitter. Criteria: CeGaT Center For Human Genetics Tuebingen Variant Classification Criteria Version 2. Collection method: clinical testing. Allele origin: germline. Affected: yes. Observed: 1 variant allele.
Comment: PKD1: BP4, BP7